The following is an entry in ClinVar:

NM_017739.4(POMGNT1):c.1195G>A (p.Ala399Thr)

Genes: POMGNT1 (protein O-linked mannose N-acetylglucosaminyltransferase 1 (beta 1,2-); minus strand), TSPAN1 (tetraspanin 1; plus strand). Cytogenetic location: 1p34.1.
Variant type: single nucleotide variant.
Coding change: c.1195G>A on transcript NM_017739.4 (MANE Select); coding-DNA position 1195, G replaced by A.
Protein change: p.Ala399Thr; replaces alanine 399 with threonine.
Molecular consequence: missense variant.
Genome position (GRCh38, 1-based): chr1:46,192,916, C>T on the plus strand (G>A on the coding strand, the complement: POMGNT1 is on the minus strand). VCF-style: chr1-46192916-C-T. GRCh37 (hg19) VCF-style: chr1-46658588-C-T.
Other names: c.1195G>A, p.Ala399Thr (NM_001243766.2, NM_001410783.1); c.1129G>A, p.Ala377Thr (NM_001290129.3); c.766G>A, p.Ala256Thr (NM_001290130.2); short protein forms A399T, A256T, A377T.
Identifiers: ClinVar variation 502560 (VCV000502560.10), dbSNP rs1276215978, ClinGen allele CA340178945.

ClinVar aggregate classification (germline): Uncertain significance. Review status: criteria provided, multiple submitters, no conflicts (2 of 4 stars). 4 submissions from 4 submitters: Uncertain significance (4). Last evaluated 2025-06-05.

Conditions:
Autosomal recessive limb-girdle muscular dystrophy type 2O. Also called: Limb-Girdle Muscular Dystrophy Type 3C; MUSCULAR DYSTROPHY-DYSTROGLYCANOPATHY (LIMB-GIRDLE), TYPE C, 3; MUSCULAR DYSTROPHY-DYSTROGLYCANOPATHY, LIMB-GIRDLE, POMGNT1-RELATED. Identifiers: Orphanet 206564, MedGen C3150417, MONDO:0013161, OMIM 613157.
Muscular dystrophy-dystroglycanopathy (congenital with impaired intellectual development), type B, 3. Also called: Muscular dystrophy-dystroglycanopathy (congenital with intellectual disability), type B3; MUSCULAR DYSTROPHY, CONGENITAL, POMGNT1-RELATED. Identifiers: MedGen C3150412, MONDO:0013155, OMIM 613151.
Inborn genetic diseases. Identifiers: MedGen C0950123, MeSH D030342.

Allele frequency attached by ClinVar (database versions not stated): gnomAD 0.00004; TOPMed 0.00003.
gnomAD v4.1: 6 of 1,614,074 alleles (0.00037%); highest among the groups gnomAD compares: African/African-American, 0.008%; no homozygotes.

Submissions (4):

Revvity Omics, Revvity
Classification: Uncertain significance. Last evaluated: 2025-06-05. Review status: criteria provided, single submitter. Criteria: ACMG Guidelines, 2015. Collection method: clinical testing. Allele origin: germline.

Ambry Genetics
Classification: Uncertain significance for Inborn genetic diseases. Last evaluated: 2024-10-20. Review status: criteria provided, single submitter. Criteria: Ambry Variant Classification Scheme 2023. Collection method: clinical testing. Allele origin: germline.

Labcorp Genetics (formerly Invitae), Labcorp
Classification: Uncertain significance for Autosomal recessive limb-girdle muscular dystrophy type 2O; Muscular dystrophy-dystroglycanopathy (congenital with impaired intellectual development), type B, 3. Last evaluated: 2024-01-02. Review status: criteria provided, single submitter. Criteria: Invitae Variant Classification Sherloc (09022015). Collection method: clinical testing. Allele origin: germline.
Comment: This sequence change replaces alanine, which is neutral and non-polar, with threonine, which is neutral and polar, at codon 399 of the POMGNT1 protein (p.Ala399Thr). This variant is present in population databases (no rsID available, gnomAD 0.01%). This variant has not been reported in the literature in individuals affected with POMGNT1-related conditions. ClinVar contains an entry for this variant (Variation ID: 502560). Advanced modeling of protein sequence and biophysical properties (such as structural, functional, and spatial information, amino acid conservation, physicochemical variation, residue mobility, and thermodynamic stability) has been performed at Invitae for this missense variant, however the output from this modeling did not meet the statistical confidence thresholds required to predict the impact of this variant on POMGNT1 protein function. In summary, the available evidence is currently insufficient to determine the role of this variant in disease. Therefore, it has been classified as a Variant of Uncertain Significance.

Eurofins Ntd Llc (ga)
Classification: Uncertain significance. Last evaluated: 2017-06-14. Review status: criteria provided, single submitter. Criteria: EGL Classification Definitions 2015. Collection method: clinical testing. Allele origin: germline. Observed: 1 variant allele, 1 heterozygote.